The following is an entry in ClinVar:

ClinVar aggregate classification (germline): Likely benign. Review status: criteria provided, single submitter (1 of 4 stars). 2 submissions from 2 submitters: Likely benign (1). 1 of the submissions does not count toward it. Last evaluated 2025-04-17.

Conditions:
HR-related disorder. Also called: HR-related disorders; HR-related condition. Identifiers: MedGen CN239293.

Allele frequency attached by ClinVar (database versions not stated): ExAC 0.00001; TOPMed 0.00002; gnomAD exomes 0.00004.
gnomAD v4.1: 67 of 1,613,408 alleles (0.0042%); highest among the groups gnomAD compares: African/African-American, 0.0053%; no homozygotes.

Submissions (2):

Labcorp Genetics (formerly Invitae), Labcorp
Classification: Likely benign. Last evaluated: 2025-04-17. Review status: criteria provided, single submitter. Criteria: Invitae Variant Classification Sherloc (09022015). Collection method: clinical testing. Allele origin: germline.

PreventionGenetics, part of Exact Sciences
Classification: Likely benign for HR-related condition. Last evaluated: 2019-07-18. Review status: no assertion criteria provided. Collection method: clinical testing. Allele origin: germline. Not counted in ClinVar's aggregate classification.
Comment: This variant is classified as likely benign based on ACMG/AMP sequence variant interpretation guidelines (Richards et al. 2015 PMID: 25741868, with internal and published modifications).

NM_005144.5(HR):c.1605C>T (p.Asn535=)

Gene: HR (HR lysine demethylase and nuclear receptor corepressor; minus strand). Cytogenetic location: 8p21.3.
Variant type: single nucleotide variant.
Coding change: c.1605C>T on transcript NM_005144.5 (MANE Select); coding-DNA position 1605, C replaced by T.
Protein change: p.Asn535=; no amino-acid change (asparagine 535 retained).
Molecular consequence: synonymous variant.
Genome position (GRCh38, 1-based): chr8:22,125,456, G>A on the plus strand (C>T on the coding strand, the complement: HR is on the minus strand). VCF-style: chr8-22125456-G-A. GRCh37 (hg19) VCF-style: chr8-21982969-G-A.
Other names: c.1605C>T, p.Asn535= (NM_018411.4).
Identifiers: ClinVar variation 3050469 (VCV003050469.3), dbSNP rs751114162, ClinGen allele CA4662400.